The following is an entry in ClinVar:

NM_001083962.2(TCF4):c.404A>G (p.Asn135Ser)

Gene: TCF4 (transcription factor 4; minus strand). Cytogenetic location: 18q21.2.
Variant type: single nucleotide variant.
Coding change: c.404A>G on transcript NM_001083962.2 (MANE Select); coding-DNA position 404, A replaced by G.
Protein change: p.Asn135Ser; replaces asparagine 135 with serine.
Molecular consequence: missense variant.
Genome position (GRCh38, 1-based): chr18:55,350,969, T>C on the plus strand (A>G on the coding strand, the complement: TCF4 is on the minus strand). VCF-style: chr18-55350969-T-C. GRCh37 (hg19) VCF-style: chr18-53018200-T-C.
Other names: c.710A>G, p.Asn237Ser (NM_001243226.3); c.332A>G, p.Asn111Ser (NM_001243227.2, NM_001306207.1, NM_001348217.1 and 9 more transcripts); c.404A>G, p.Asn135Ser (NM_001243228.2, NM_001330604.3, NM_001369567.1 and 5 more transcripts); c.398A>G, p.Asn133Ser (NM_001243230.2); c.278A>G, p.Asn93Ser (NM_001243231.2, NM_001348211.2); c.191A>G, p.Asn64Ser (NM_001243232.1, NM_001306208.1); c.14A>G, p.Asn5Ser (NM_001243233.2, NM_001330605.3, NM_001348212.2 and 1 more transcripts); c.329A>G, p.Asn110Ser (NM_001348220.1, NM_001369576.1, NM_001369578.1 and 3 more transcripts); and 1 more; short protein forms N110S, N111S, N133S, N134S, N135S, N237S, N5S, N64S.
Identifiers: ClinVar variation 1218659 (VCV001218659.3), dbSNP rs2144787307, ClinGen allele CA402702653.

ClinVar aggregate classification (germline): Uncertain significance (1 of 4 stars; one submission).

Submission:

GeneDx
Classification: Uncertain significance. Last evaluated: 2019-10-14. Review status: criteria provided, single submitter. Criteria: GeneDx Variant Classification Process June 2021. Collection method: clinical testing. Allele origin: germline. Affected: yes.
Comment: Not observed in large population cohorts (Lek et al., 2016); In silico analysis, which includes protein predictors and evolutionary conservation, supports that this variant does not alter protein structure/function; Has not been previously published as pathogenic or benign to our knowledge